The following is an entry in ClinVar:

ClinVar aggregate classification (germline): Benign/Likely benign. Review status: criteria provided, multiple submitters, no conflicts (2 of 4 stars). 3 submissions from 3 submitters: Benign (1); Likely benign (2). Last evaluated 2025-02-23.

Allele frequency attached by ClinVar (database versions not stated): gnomAD exomes 0.00002 and 0.00006; ExAC 0.00007; ESP Exome Variant Server 0.00008; gnomAD 0.00014 and 0.00016; TOPMed 0.00023.
gnomAD v4.1: 56 of 1,606,940 alleles (0.0035%); highest among the groups gnomAD compares: African/African-American, 0.073%; no homozygotes.

Submissions (3):

Labcorp Genetics (formerly Invitae), Labcorp
Classification: Benign. Last evaluated: 2025-02-23. Review status: criteria provided, single submitter. Criteria: Invitae Variant Classification Sherloc (09022015). Collection method: clinical testing. Allele origin: germline.

CeGaT Center for Human Genetics Tuebingen
Classification: Likely benign. Last evaluated: 2023-04-01. Review status: criteria provided, single submitter. Criteria: CeGaT Center For Human Genetics Tuebingen Variant Classification Criteria Version 2. Collection method: clinical testing. Allele origin: germline. Affected: yes. Observed: 1 variant allele.
Comment: AUTS2: BP4, BS2

GeneDx
Classification: Likely benign. Last evaluated: 2020-07-28. Review status: criteria provided, single submitter. Criteria: GeneDx Variant Classification Process June 2021. Collection method: clinical testing. Allele origin: germline. Affected: yes.

NM_015570.4(AUTS2):c.540C>T (p.Asn180=)

Gene: AUTS2 (activator of transcription and developmental regulator AUTS2; plus strand). Cytogenetic location: 7q11.22.
Variant type: single nucleotide variant.
Coding change: c.540C>T on transcript NM_015570.4 (MANE Select); coding-DNA position 540, C replaced by T.
Protein change: p.Asn180=; no amino-acid change (asparagine 180 retained).
Molecular consequence: synonymous variant.
Genome position (GRCh38, 1-based): chr7:70,118,149, C>T. VCF-style: chr7-70118149-C-T. GRCh37 (hg19) VCF-style: chr7-69583135-C-T.
Other names: c.540C>T, p.Asn180= (NM_001127231.3, NM_001127232.3).
Identifiers: ClinVar variation 1206428 (VCV001206428.32), dbSNP rs372406859, ClinGen allele CA4280344.